The following is an entry in ClinVar:

NM_000037.4(ANK1):c.2864A>G (p.Lys955Arg)

Gene: ANK1 (ankyrin 1; minus strand). Cytogenetic location: 8p11.21.
Variant type: single nucleotide variant.
Coding change: c.2864A>G on transcript NM_000037.4 (MANE Select); coding-DNA position 2864, A replaced by G.
Protein change: p.Lys955Arg; replaces lysine 955 with arginine.
Molecular consequence: missense variant.
Genome position (GRCh38, 1-based): chr8:41,696,459, T>C on the plus strand (A>G on the coding strand, the complement: ANK1 is on the minus strand). VCF-style: chr8-41696459-T-C. GRCh37 (hg19) VCF-style: chr8-41553977-T-C.
Other names: c.2987A>G, p.Lys996Arg (NM_001142446.2); c.2864A>G, p.Lys955Arg (NM_020475.3, NM_020476.3, NM_020477.3); short protein forms K955R, K996R.
Identifiers: ClinVar variation 5041367 (VCV005041367.1).
Genomic context (GRCh38, chr8:41,696,459, plus strand): 5'-ATCCTGCTGGCCAGGCCCTCCTCCTCGGCCAGTGGGGGCGGCGTGCTGAGCTTCTGGGGC[T>C]TGACCAGGCGGCAGGTGATGCGGGTGGGCGCTGCGCACGTCCGTGGCGGGATCACCACTC-3'
Protein context (NP_000028.3, residues 945-965): APTRITCRLV[Lys955Arg]PQKLSTPPPL

ClinVar aggregate classification (germline): Uncertain significance (1 of 4 stars; one submission).

gnomAD v4.1: 4 of 1,613,292 alleles (0.00025%); highest among the groups gnomAD compares: African/African-American, 0.0013%; no homozygotes.

Submission:

CeGaT Center for Human Genetics Tuebingen
Classification: Uncertain significance. Last evaluated: 2026-09-01. Review status: criteria provided, single submitter. Criteria: CeGaT Center For Human Genetics Tuebingen Variant Classification Criteria Version 2. Collection method: clinical testing. Allele origin: germline. Affected: yes. Observed: 1 variant allele.
Comment: ANK1: PM2